The following is an entry in ClinVar:

ClinVar aggregate classification (germline): Uncertain significance (1 of 4 stars; one submission).

Submission:

Labcorp Genetics (formerly Invitae), Labcorp
Classification: Uncertain significance. Last evaluated: 2023-05-15. Review status: criteria provided, single submitter. Criteria: Invitae Variant Classification Sherloc (09022015). Collection method: clinical testing. Allele origin: germline.
Comment: In summary, the available evidence is currently insufficient to determine the role of this variant in disease. Therefore, it has been classified as a Variant of Uncertain Significance. Advanced modeling of protein sequence and biophysical properties (such as structural, functional, and spatial information, amino acid conservation, physicochemical variation, residue mobility, and thermodynamic stability) performed at Invitae indicates that this missense variant is expected to disrupt COMP protein function. ClinVar contains an entry for this variant (Variation ID: 2054432). This variant has not been reported in the literature in individuals affected with COMP-related conditions. This variant is not present in population databases (gnomAD no frequency). This sequence change replaces glycine, which is neutral and non-polar, with aspartic acid, which is acidic and polar, at codon 598 of the COMP protein (p.Gly598Asp).

NM_000095.3(COMP):c.1793G>A (p.Gly598Asp)

Gene: COMP (cartilage oligomeric matrix protein; minus strand). Cytogenetic location: 19p13.11.
Variant type: single nucleotide variant.
Coding change: c.1793G>A on transcript NM_000095.3 (MANE Select); coding-DNA position 1793, G replaced by A.
Protein change: p.Gly598Asp; replaces glycine 598 with aspartic acid.
Molecular consequence: missense variant.
Genome position (GRCh38, 1-based): chr19:18,785,017, C>T on the plus strand (G>A on the coding strand, the complement: COMP is on the minus strand). VCF-style: chr19-18785017-C-T. GRCh37 (hg19) VCF-style: chr19-18895827-C-T.
Other names: short protein forms G598D.
Identifiers: ClinVar variation 2054432 (VCV002054432.4), dbSNP rs2512845627, ClinGen allele CA404878636.
Genomic context (GRCh38, chr19:18,785,017, plus strand): 5'-TCCATCTGCTTCCACATGACCACGTAGAAGCTGGAGCTGTCCTGGTAGCCAAAGATGAAG[C>T]CCGCATAGTCGTCATCCGTGACCGTGTTCACATGGAACGTGCCCTCGAAGTCCACGCCAT-3'
Protein context (NP_000086.2, residues 588-608): VNTVTDDDYA[Gly598Asp]FIFGYQDSSS